The following is an entry in ClinVar:

NM_017617.5(NOTCH1):c.6605C>A (p.Ser2202Tyr)

Gene: NOTCH1 (notch receptor 1; minus strand). Cytogenetic location: 9q34.3.
Variant type: single nucleotide variant.
Coding change: c.6605C>A on transcript NM_017617.5 (MANE Select); coding-DNA position 6605, C replaced by A.
Protein change: p.Ser2202Tyr; replaces serine 2202 with tyrosine.
Molecular consequence: missense variant.
Genome position (GRCh38, 1-based): chr9:136,497,134, G>T on the plus strand (C>A on the coding strand, the complement: NOTCH1 is on the minus strand). VCF-style: chr9-136497134-G-T. GRCh37 (hg19) VCF-style: chr9-139391586-G-T.
Other names: short protein forms S2202Y.
Identifiers: ClinVar variation 4750758 (VCV004750758.1).

ClinVar aggregate classification (germline): Uncertain significance (1 of 4 stars; one submission).

Conditions:
Adams-Oliver syndrome 5 (AOS5). Identifiers: Orphanet 974, MedGen C4014970, MONDO:0014459, OMIM 616028.

Submission:

Labcorp Genetics (formerly Invitae), Labcorp
Classification: Uncertain significance for Adams-Oliver syndrome 5. Last evaluated: 2025-02-23. Review status: criteria provided, single submitter. Criteria: Invitae Variant Classification Sherloc (09022015). Collection method: clinical testing. Allele origin: germline.
Comment: This sequence change replaces serine, which is neutral and polar, with tyrosine, which is neutral and polar, at codon 2202 of the NOTCH1 protein (p.Ser2202Tyr). This variant is not present in population databases (gnomAD no frequency). This variant has not been reported in the literature in individuals affected with NOTCH1-related conditions. An algorithm developed to predict the effect of missense changes on protein structure and function (PolyPhen-2) suggests that this variant is likely to be disruptive. In summary, the available evidence is currently insufficient to determine the role of this variant in disease. Therefore, it has been classified as a Variant of Uncertain Significance.